The following is an entry in ClinVar:

NM_017654.4(SAMD9):c.2798T>C (p.Ile933Thr)

Gene: SAMD9 (sterile alpha motif domain containing 9; minus strand). Cytogenetic location: 7q21.2.
Variant type: single nucleotide variant.
Coding change: c.2798T>C on transcript NM_017654.4 (MANE Select); coding-DNA position 2798, T replaced by C.
Protein change: p.Ile933Thr; replaces isoleucine 933 with threonine.
Molecular consequence: missense variant.
Genome position (GRCh38, 1-based): chr7:93,103,300, A>G on the plus strand (T>C on the coding strand, the complement: SAMD9 is on the minus strand). VCF-style: chr7-93103300-A-G. GRCh37 (hg19) VCF-style: chr7-92732613-A-G.
Other names: c.2798T>C, p.Ile933Thr (NM_001193307.2); short protein forms I933T.
Identifiers: ClinVar variation 3949544 (VCV003949544.1).
Genomic context (GRCh38, chr7:93,103,300, plus strand): 5'-GTCCCCCAGAAAGCCTTCTTGTTTCCAATTCCTAAGAATTTTTCACACTGTGATAGTGAA[A>G]TGGTGGTATCAGGCACATATGAATTAAGAAGAGCCAGAAAAGAAAAGAGCTTTGCTTCCT-3'
Protein context (NP_060124.2, residues 923-943): LLNSYVPDTT[Ile933Thr]SLSQCEKFLG

ClinVar aggregate classification (germline): Uncertain significance (1 of 4 stars; one submission).

Conditions:
Inborn genetic diseases. Identifiers: MedGen C0950123, MeSH D030342.

Submission:

Ambry Genetics
Classification: Uncertain significance for Inborn genetic diseases. Last evaluated: 2025-04-12. Review status: criteria provided, single submitter. Criteria: Ambry Variant Classification Scheme 2023. Collection method: clinical testing. Allele origin: germline.
Comment: The p.I933T variant (also known as c.2798T>C), located in coding exon 1 of the SAMD9 gene, results from a T to C substitution at nucleotide position 2798. The isoleucine at codon 933 is replaced by threonine, an amino acid with similar properties. This amino acid position is conserved. In addition, the in silico prediction for this alteration is inconclusive. Based on the available evidence, the clinical significance of this variant remains unclear.